The following is an entry in ClinVar:

ClinVar aggregate classification (germline): Pathogenic. Review status: criteria provided, multiple submitters, no conflicts (2 of 4 stars). 2 submissions from 2 submitters: Pathogenic (2). Last evaluated 2023-10-19.

Allele frequency attached by ClinVar (database versions not stated): TOPMed below 0.00001; gnomAD 0.00001.
gnomAD v4.1: 1 of 1,609,850 alleles (0.000062%); highest among the groups gnomAD compares: Non-Finnish European, 0.000085%; no homozygotes.

Submissions (2):

GeneDx
Classification: Pathogenic. Last evaluated: 2023-10-19. Review status: criteria provided, single submitter. Criteria: GeneDx Variant Classification Process June 2021. Collection method: clinical testing. Allele origin: germline. Affected: yes.
Comment: Canonical splice site variant predicted to result in a null allele in a gene for which loss of function is a known mechanism of disease; A different variant affecting the same splice site (c.565-2A>G) has been reported as pathogenic in the published literature and at GeneDx in association with JEB (Pulkkinen et al., 1997; Nakano et al., 2000; Varki et al., 2006); Not observed at significant frequency in large population cohorts (gnomAD); Has not been previously published as pathogenic or benign to our knowledge; This variant is associated with the following publications: (PMID: 9242513, 11023379, 16473856)

Labcorp Genetics (formerly Invitae), Labcorp
Classification: Pathogenic. Last evaluated: 2020-09-25. Review status: criteria provided, single submitter. Criteria: Invitae Variant Classification Sherloc (09022015). Collection method: clinical testing. Allele origin: germline.
Comment: For these reasons, this variant has been classified as Pathogenic. Donor and acceptor splice site variants typically lead to a loss of protein function (PMID: 16199547), and loss-of-function variants in LAMB3 are known to be pathogenic (PMID: 11023379, 16473856). Algorithms developed to predict the effect of sequence changes on RNA splicing suggest that this variant may disrupt the consensus splice site, but this prediction has not been confirmed by published transcriptional studies. Disruption of this splice site has been observed in individual(s) with epidermolysis bullosa (PMID: 9242513, 21801158, 16473856). This variant is not present in population databases (ExAC no frequency). This sequence change affects an acceptor splice site in intron 6 of the LAMB3 gene. It is expected to disrupt RNA splicing and likely results in an absent or disrupted protein product.

Literature cited by the submitters: PubMed 16199547 (cited by Labcorp Genetics (formerly Invitae), Labcorp); PubMed 11023379 (cited by Labcorp Genetics (formerly Invitae), Labcorp); PubMed 16473856 (cited by Labcorp Genetics (formerly Invitae), Labcorp); PubMed 9242513 (cited by Labcorp Genetics (formerly Invitae), Labcorp); PubMed 21801158 (cited by Labcorp Genetics (formerly Invitae), Labcorp).

NM_000228.3(LAMB3):c.565-1G>A

Gene: LAMB3 (laminin subunit beta 3; minus strand). Cytogenetic location: 1q32.2.
Variant type: single nucleotide variant.
Coding change: c.565-1G>A on transcript NM_000228.3 (MANE Select); the canonical splice acceptor site of the intron before coding-DNA position 565, G replaced by A.
Molecular consequence: splice acceptor variant.
Genome position (GRCh38, 1-based): chr1:209,633,134, C>T on the plus strand (G>A on the coding strand, the complement: LAMB3 is on the minus strand). VCF-style: chr1-209633134-C-T. GRCh37 (hg19) VCF-style: chr1-209806479-C-T.
Other names: c.565-1G>A (NM_001127641.1, NM_001017402.2).
Identifiers: ClinVar variation 1074201 (VCV001074201.10), dbSNP rs1057516693, ClinGen allele CA344595004.